The following is an entry in ClinVar:

ClinVar aggregate classification (germline): Uncertain significance (1 of 4 stars; one submission).

Submission:

GeneDx
Classification: Uncertain significance. Last evaluated: 2019-06-28. Review status: criteria provided, single submitter. Criteria: GeneDx Variant Classification Process June 2021. Collection method: clinical testing. Allele origin: germline. Affected: yes.
Comment: Not observed in large population cohorts (Lek et al., 2016); In silico analysis, which includes splice predictors and evolutionary conservation, supports a deleterious effect; Has not been previously published as pathogenic or benign to our knowledge; Variants in candidate genes are classified as variants of uncertain significance in accordance with ACMG guidelines (Richards et al., 2015)

NM_015557.3(CHD5):c.4171+3G>T

Gene: CHD5 (chromodomain helicase DNA binding protein 5; minus strand). Cytogenetic location: 1p36.31.
Variant type: single nucleotide variant.
Coding change: c.4171+3G>T on transcript NM_015557.3 (MANE Select); 3 bases into the intron after coding-DNA position 4171, G replaced by T.
Molecular consequence: intron variant.
Genome position (GRCh38, 1-based): chr1:6,125,763, C>A on the plus strand (G>T on the coding strand, the complement: CHD5 is on the minus strand). VCF-style: chr1-6125763-C-A. GRCh37 (hg19) VCF-style: chr1-6185823-C-A.
Identifiers: ClinVar variation 1303424 (VCV001303424.2), dbSNP rs2100843379, ClinGen allele CA2573051603.
Genomic context (GRCh38, chr1:6,125,763, plus strand): 5'-GCTGCCATCAGCTCCCCTGACATGGCCTCAGCAGTAGCCCAGACCACTAACACTGAGACT[C>A]ACTCTGCCCTTCCGGCCTCTCTTCAAAGTCCTCATCCTCATCCTCAGAGCCAATGGAATA-3'